The following is an entry in ClinVar:

ClinVar aggregate classification (germline): Uncertain significance (1 of 4 stars; one submission).

Conditions:
Polycystic kidney disease 2 (PKD2). Also called: Polycystic Kidney Disease 2, Autosomal Dominant; POLYCYSTIC KIDNEY DISEASE, ADULT, TYPE II; POLYCYSTIC KIDNEY DISEASE 2 WITH OR WITHOUT POLYCYSTIC LIVER DISEASE. Identifiers: MedGen C2751306, MONDO:0013131, OMIM 613095.

Submission:

Victorian Clinical Genetics Services, Murdoch Childrens Research Institute
Classification: Uncertain significance for Polycystic kidney disease 2. Last evaluated: 2021-05-06. Review status: criteria provided, single submitter. Criteria: ACMG Guidelines, 2015. Collection method: clinical testing. Allele origin: germline. Inheritance: Autosomal dominant inheritance. Affected: yes.
Comment: Based on the classification scheme VCGS_Germline_v1.3.4, this variant is classified as VUS-3A. Following criteria are met: 0102 - Loss of function is a known mechanism of disease in this gene and is associated with polycystic kidney disease (MIM#613095). (I) 0107 - This gene is associated with autosomal dominant disease. (I) 0213 - In-frame insertion/deletion in a non-repetitive region that has high conservation. (SP) 0251 - This variant is heterozygous. (I) 0301 - Variant is absent from gnomAD (both v2 and v3). (SP) 0309 - A missense amino acid change at the same position, p.(Arg827Lys), has been observed in gnomAD (v2) (78 heterozygotes, 1 homozygote). (I) 0604 - Variant is not located in an established domain, motif, hotspot or informative constraint region. (I) 0705 - No comparable in-frame deletion variants have previous evidence for pathogenicity. (I) 0807 - This variant has no previous evidence of pathogenicity. (I) 0905 - No published segregation evidence has been identified for this variant. (I) 1007 - No published functional evidence has been identified for this variant. (I) 1208 - Inheritance information for this variant is not currently available in this individual. (I) Legend: (SP) - Supporting pathogenic, (I) - Information, (SB) - Supporting benign

NM_000297.4(PKD2):c.2475_2477del (p.Arg827del)

Gene: PKD2 (polycystin 2, transient receptor potential cation channel; plus strand). Cytogenetic location: 4q22.1.
Variant type: Deletion.
Coding change: c.2475_2477del on transcript NM_000297.4 (MANE Select); coding-DNA positions 2475 to 2477, 3 bases deleted (AAG; older notation c.2475_2477delAAG).
Protein change: p.Arg827del; deletes arginine 827.
Molecular consequence: inframe deletion. On other transcripts: non-coding transcript variant (1).
Genome position (GRCh38, 1-based): chr4:88,068,014-88,068,016, AAG deleted; deleting any 3 consecutive bases within chr4:88,068,012-88,068,016 gives the same sequence; the c. name uses the placement nearest the transcript's 3' end. VCF-style (leftmost placement, unchanged base first): chr4-88068011-CAGA-C. GRCh37 (hg19) VCF-style: chr4-88989163-CAGA-C.
Other names: short protein forms R827del.
Identifiers: ClinVar variation 1804994 (VCV001804994.1), dbSNP rs2475986715, ClinGen allele CA1139771263.